The following is an entry in ClinVar:

NC_012920.1(MT-ND6):m.14470T>A

Gene: MT-ND6 (mitochondrially encoded NADH dehydrogenase 6; minus strand).
Variant type: single nucleotide variant.
Genome position: chrM-14470-T-A.
Identifiers: ClinVar variation 235574 (VCV000235574.4), dbSNP rs3135030, ClinGen allele CA10581362.

ClinVar aggregate classification (germline): Likely benign. Review status: criteria provided, multiple submitters, no conflicts (2 of 4 stars). 2 submissions from 2 submitters: Likely benign (2). Last evaluated 2025-02-16.

Submissions (2):

Laboratory of Genetics, Children's Clinical University Hospital Latvia
Classification: Likely benign. Last evaluated: 2025-02-16. Review status: criteria provided, single submitter. Criteria: ACMG Guidelines, 2015. Collection method: clinical testing. Allele origin: germline. Affected: yes.

Center for Pediatric Genomic Medicine, Children's Mercy Hospital and Clinics
Classification: Likely benign. Last evaluated: 2015-05-29. Review status: criteria provided, single submitter. Criteria: ACMG Guidelines, 2015. Collection method: clinical testing. Allele origin: germline.
ClinVar note: Converted during submission from Likely Benign to Likely benign.